The following is an entry in ClinVar:

ClinVar aggregate classification (germline): Pathogenic/Likely pathogenic. Review status: criteria provided, multiple submitters, no conflicts (2 of 4 stars). 5 submissions from 5 submitters: Pathogenic (2); Likely pathogenic (1). 2 of the submissions do not count toward it. Last evaluated 2023-11-08.

Conditions:
TH-deficient dopa-responsive dystonia. Also called: DYT-TH; Tyrosine Hydroxylase-Deficient Dopa-Responsive Dystonia; Segawa syndrome, autosomal recessive. Identifiers: Orphanet 101150, MedGen C2673535, MONDO:0011551, OMIM 605407.

Allele frequency attached by ClinVar (database versions not stated): gnomAD exomes 0.00001.

Submissions (5):

Labcorp Genetics (formerly Invitae), Labcorp
Classification: Pathogenic for TH-deficient dopa-responsive dystonia. Last evaluated: 2023-11-08. Review status: criteria provided, single submitter. Criteria: Invitae Variant Classification Sherloc (09022015). Collection method: clinical testing. Allele origin: germline.
Comment: This sequence change creates a premature translational stop signal (p.Leu99Argfs*15) in the TH gene. It is expected to result in an absent or disrupted protein product. Loss-of-function variants in TH are known to be pathogenic (PMID: 22264700, 24753243). This variant is not present in population databases (gnomAD no frequency). This premature translational stop signal has been observed in individual(s) with TH deficiency (PMID: 11160968, 12891655). ClinVar contains an entry for this variant (Variation ID: 557613). For these reasons, this variant has been classified as Pathogenic.

Baylor Genetics
Classification: Pathogenic for TH-deficient dopa-responsive dystonia. Last evaluated: 2023-09-05. Review status: criteria provided, single submitter. Criteria: ACMG Guidelines, 2015. Collection method: clinical testing. Allele origin: unknown.

Women's Health and Genetics/Laboratory Corporation of America, LabCorp
Classification: Likely pathogenic for TH-deficient dopa-responsive dystonia. Last evaluated: 2023-04-12. Review status: criteria provided, single submitter. Criteria: LabCorp Variant Classification Summary - May 2015. Collection method: clinical testing. Allele origin: germline.
Comment: Variant summary: TH c.296delT (p.Leu99ArgfsX15) results in a premature termination codon, predicted to cause a truncation of the encoded protein or absence of the protein due to nonsense mediated decay, which are commonly known mechanisms for disease. Truncations downstream of this position have been classified as pathogenic by our laboratory. The variant was absent in 245908 control chromosomes (gnomAD). c.296delT has been reported in the literature in at least one compound heterozygous individual affected with Segawa Syndrome, Autosomal Recessive (Furukawa_2001). The variant was also found occuring in a heterozygous adult with late-onset Dopa-responsive Dystonia (Bally_2020). These data do not allow any conclusion about variant significance. To our knowledge, no experimental evidence demonstrating an impact on protein function has been reported. Three ClinVar submitters have assessed the variant since 2014: one classified the variant as likely pathogenic and two as pathogenic. Based on the evidence outlined above, the variant was classified as likely pathogenic.

Natera, Inc.
Classification: Pathogenic for Autosomal recessive Segawa syndrome. Last evaluated: 2020-12-01. Review status: no assertion criteria provided. Collection method: clinical testing. Allele origin: germline. Not counted in ClinVar's aggregate classification.

Counsyl
Classification: Likely pathogenic for TH-deficient dopa-responsive dystonia. Last evaluated: 2018-04-04. Review status: no assertion criteria provided. Collection method: clinical testing. Allele origin: unknown. Not counted in ClinVar's aggregate classification.

Literature cited by the submitters: PubMed 22264700 (cited by Labcorp Genetics (formerly Invitae), Labcorp); PubMed 24753243 (cited by Labcorp Genetics (formerly Invitae), Labcorp); PubMed 11160968 (cited by 3 submitters); PubMed 12891655 (cited by Labcorp Genetics (formerly Invitae), Labcorp); PubMed 32018151 (cited by Women's Health and Genetics/Laboratory Corporation of America, LabCorp).

NM_000360.4(TH):c.203del (p.Leu68fs)

Gene: TH (tyrosine hydroxylase; minus strand). Cytogenetic location: 11p15.5.
Variant type: Deletion.
Coding change: c.203del on transcript NM_000360.4 (MANE Select); coding-DNA position 203, one base deleted (T; older notation c.203delT).
Protein change: p.Leu68fs; shifts the reading frame from leucine 68.
Molecular consequence: frameshift variant.
Genome position (GRCh38, 1-based): chr11:2,169,759, A deleted on the plus strand (T on the coding strand, the reverse complement: TH is on the minus strand). VCF-style (leftmost placement, unchanged base first): chr11-2169758-CA-C. GRCh37 (hg19) VCF-style: chr11-2190988-CA-C.
Other names: c.296del, p.Leu99fs (NM_199292.3); c.284del, p.Leu95fs (NM_199293.3); c.296del (NM_199292.2); short protein forms L68fs, L95fs, L99fs.
Identifiers: ClinVar variation 557613 (VCV000557613.17), dbSNP rs1554923852, ClinGen allele CA658821340.
Genomic context (GRCh38, chr11:2,169,758, plus strand): 5'-CGGGGAGAAGAGCAGGTTTAGCACGGCCTTCCCCTCCTTCTCCTCAAAGGCCACAGCCTC[CA>C]GGGGGTCCCCGGGCTCCGAGGGGACTGCAGCGGCCGCTGCTGCCACCGCCGCCTCCCGCT-3'